The following is an entry in ClinVar:

NM_001376.5(DYNC1H1):c.6619-168G>A

Gene: DYNC1H1 (dynein cytoplasmic 1 heavy chain 1; plus strand). Cytogenetic location: 14q32.31.
Variant type: single nucleotide variant.
Coding change: c.6619-168G>A on transcript NM_001376.5 (MANE Select); 168 bases into the intron before coding-DNA position 6619, G replaced by A.
Molecular consequence: intron variant.
Genome position (GRCh38, 1-based): chr14:102,011,707, G>A. VCF-style: chr14-102011707-G-A. GRCh37 (hg19) VCF-style: chr14-102478044-G-A.
Identifiers: ClinVar variation 679348 (VCV000679348.1), dbSNP rs34309737, ClinGen allele CA14013763.

ClinVar aggregate classification (germline): Benign (1 of 4 stars; one submission).

Allele frequency attached by ClinVar (database versions not stated): 1000 Genomes Project 30x 0.02217; 1000 Genomes Project 0.02296; TOPMed 0.02945; gnomAD 0.03581 and 0.03595; gnomAD exomes 0.04347.
gnomAD v4.1: 28,181 of 679,256 alleles (4.1%); highest among the groups gnomAD compares: Non-Finnish European, 4.9%; 778 homozygotes.

Submission:

GeneDx
Classification: Benign. Last evaluated: 2018-06-19. Review status: criteria provided, single submitter. Criteria: GeneDx Variant Classification (06012015). Collection method: clinical testing. Allele origin: germline. Affected: yes.
Comment: This variant is considered likely benign or benign based on one or more of the following criteria: it is a conservative change, it occurs at a poorly conserved position in the protein, it is predicted to be benign by multiple in silico algorithms, and/or has population frequency not consistent with disease.